The following is an entry in ClinVar:

NM_017654.4(SAMD9):c.727C>T (p.Pro243Ser)

Gene: SAMD9 (sterile alpha motif domain containing 9; minus strand). Cytogenetic location: 7q21.2.
Variant type: single nucleotide variant.
Coding change: c.727C>T on transcript NM_017654.4 (MANE Select); coding-DNA position 727, C replaced by T.
Protein change: p.Pro243Ser; replaces proline 243 with serine.
Molecular consequence: missense variant.
Genome position (GRCh38, 1-based): chr7:93,105,371, G>A on the plus strand (C>T on the coding strand, the complement: SAMD9 is on the minus strand). VCF-style: chr7-93105371-G-A. GRCh37 (hg19) VCF-style: chr7-92734684-G-A.
Other names: c.727C>T (NM_017654.3); c.727C>T, p.Pro243Ser (NM_001193307.2); short protein forms P243S.
Identifiers: ClinVar variation 1900954 (VCV001900954.6), dbSNP rs2535362206, ClinGen allele CA368204036.

ClinVar aggregate classification (germline): Uncertain significance. Review status: criteria provided, multiple submitters, no conflicts (2 of 4 stars). 2 submissions from 2 submitters: Uncertain significance (2). Last evaluated 2026-07-15.

Conditions:
Inborn genetic diseases. Identifiers: MedGen C0950123, MeSH D030342.

Submissions (2):

Ambry Genetics
Classification: Uncertain significance for Inborn genetic diseases. Last evaluated: 2026-07-15. Review status: criteria provided, single submitter. Criteria: Ambry Variant Classification Scheme 2023. Collection method: clinical testing. Allele origin: germline.
Comment: The p.P243S variant (also known as c.727C>T), located in coding exon 1 of the SAMD9 gene, results from a C to T substitution at nucleotide position 727. The proline at codon 243 is replaced by serine, an amino acid with similar properties. This amino acid position is conserved. In addition, this alteration is predicted to be tolerated by in silico analysis. Based on the available evidence, the clinical significance of this variant remains unclear.

Labcorp Genetics (formerly Invitae), Labcorp
Classification: Uncertain significance. Last evaluated: 2022-03-18. Review status: criteria provided, single submitter. Criteria: Invitae Variant Classification Sherloc (09022015). Collection method: clinical testing. Allele origin: germline.
Comment: Algorithms developed to predict the effect of missense changes on protein structure and function (SIFT, PolyPhen-2, Align-GVGD) all suggest that this variant is likely to be disruptive. This sequence change replaces proline, which is neutral and non-polar, with serine, which is neutral and polar, at codon 243 of the SAMD9 protein (p.Pro243Ser). This variant is not present in population databases (gnomAD no frequency). This variant has not been reported in the literature in individuals affected with SAMD9-related conditions. In summary, the available evidence is currently insufficient to determine the role of this variant in disease. Therefore, it has been classified as a Variant of Uncertain Significance.